The following is an entry in ClinVar:

NM_001371333.1(DIABLO):c.641A>T (p.Glu214Val)

Genes: B3GNT4 (UDP-GlcNAc:betaGal beta-1,3-N-acetylglucosaminyltransferase 4; plus strand), DIABLO (diablo IAP-binding mitochondrial protein; minus strand). Cytogenetic location: 12q24.31.
Variant type: single nucleotide variant.
Coding change: c.641A>T on transcript NM_001371333.1 (MANE Select); coding-DNA position 641, A replaced by T.
Protein change: p.Glu214Val; replaces glutamic acid 214 with valine.
Molecular consequence: missense variant. On other transcripts: 3 prime UTR variant (2).
Genome position (GRCh38, 1-based): chr12:122,208,460, T>A on the plus strand (A>T on the coding strand, the complement: DIABLO is on the minus strand). VCF-style: chr12-122208460-T-A. GRCh37 (hg19) VCF-style: chr12-122693007-T-A.
Other names: c.350A>T, p.Glu117Val (NM_001278302.1); c.422A>T, p.Glu141Val (NM_001278303.1); c.482A>T, p.Glu161Val (NM_001278304.2, NM_138930.3); c.509A>T, p.Glu170Val (NM_001278342.1); c.641A>T, p.Glu214Val (NM_019887.6); c.*1072T>A (NM_001330492.2, NM_030765.4); short protein forms E141V, E117V, E170V, E214V, E161V.
Identifiers: ClinVar variation 3721202 (VCV003721202.2).

ClinVar aggregate classification (germline): Uncertain significance (1 of 4 stars; one submission).

gnomAD v4.1: 8 of 1,613,986 alleles (0.0005%); highest among the groups gnomAD compares: Admixed American, 0.012%; no homozygotes.

Submission:

Labcorp Genetics (formerly Invitae), Labcorp
Classification: Uncertain significance. Last evaluated: 2024-05-19. Review status: criteria provided, single submitter. Criteria: Invitae Variant Classification Sherloc (09022015). Collection method: clinical testing. Allele origin: germline.
Comment: This sequence change replaces glutamic acid, which is acidic and polar, with valine, which is neutral and non-polar, at codon 214 of the DIABLO protein (p.Glu214Val). This variant is present in population databases (no rsID available, gnomAD 0.009%). This missense change has been observed in individual(s) with autosomal dominant non-syndromic deafness (PMID: 26969326). An algorithm developed to predict the effect of missense changes on protein structure and function (PolyPhen-2) suggests that this variant is likely to be tolerated. In summary, the available evidence is currently insufficient to determine the role of this variant in disease. Therefore, it has been classified as a Variant of Uncertain Significance.

Literature cited by the submitters: PubMed 26969326.